The following is an entry in ClinVar:

ClinVar aggregate classification (germline): Pathogenic (1 of 4 stars; one submission).

Conditions:
Autosomal recessive limb-girdle muscular dystrophy type 2U. Also called: MUSCULAR DYSTROPHY, LIMB-GIRDLE, TYPE 2U; Muscular dystrophy-dystroglycanopathy (limb-girdle), type c, 7. Identifiers: Orphanet 352479, MedGen C5190987, MONDO:0014474, OMIM 616052.
Muscular dystrophy-dystroglycanopathy (congenital with brain and eye anomalies), type A, 7. Also called: WALKER-WARBURG SYNDROME OR MUSCLE-EYE-BRAIN DISEASE, ISPD-RELATED; Congenital muscular dystrophy-dystroglycanopathy with brain and eye anomalies, type A7. Identifiers: Orphanet 899, MedGen C3553330, MONDO:0013835, OMIM 614643.

Submission:

Labcorp Genetics (formerly Invitae), Labcorp
Classification: Pathogenic for Congenital muscular dystrophy-dystroglycanopathy with brain and eye anomalies, type A7; Muscular dystrophy-dystroglycanopathy (limb-girdle), type c, 7. Last evaluated: 2018-06-18. Review status: criteria provided, single submitter. Criteria: Invitae Variant Classification Sherloc (09022015). Collection method: clinical testing. Allele origin: germline.
Comment: This variant is a gross deletion of the genomic region encompassing exons 9-10 of the ISPD gene. The 5' boundary is likely confined to intron 8. The 3' end of this event is unknown as it extends through the termination codon beyond the assayed region for this gene and may encompass additional genes. While this deletion is not anticipated to result in nonsense mediated decay, it is expected to create a truncated protein product or disrupt mRNA translation. Similar deletions of exons 9-10 have been observed to be homozygous or in combination with another ISPD variant in individuals affected with Walker-Warburg syndrome (PMID:22522421, 22522420, 24120487). For these reasons, this variant has been classified as Pathogenic.

Literature cited by the submitters: PubMed 24120487; PubMed 22522421; PubMed 22522420.

NC_000007.14:g.(?_16091675)_(16216217_?)del

Genes: CRPPA-AS1 (CRPPA antisense RNA 1; plus strand), CRPPA (CDP-L-ribitol pyrophosphorylase A; minus strand), LOC129389757 (MPRA-validated peak6410 silencer; plus strand). Cytogenetic location: 7p21.2.
Variant type: Deletion.
Identifiers: ClinVar variation 583718 (VCV000583718.1).